The following is an entry in ClinVar:

ClinVar aggregate classification (germline): Likely benign (0 of 4 stars; one submission).

Conditions:
ATP5F1E-related disorder. Also called: ATP5F1E-related condition.

Submission:

PreventionGenetics, part of Exact Sciences
Classification: Likely benign for ATP5F1E-related condition. Last evaluated: 2019-04-24. Review status: no assertion criteria provided. Collection method: clinical testing. Allele origin: germline.
Comment: This variant is classified as likely benign based on ACMG/AMP sequence variant interpretation guidelines (Richards et al. 2015 PMID: 25741868, with internal and published modifications).

NM_006886.4(ATP5F1E):c.42A>C (p.Arg14=)

Genes: ATP5F1E (ATP synthase F1 subunit epsilon; minus strand), SLMO2-ATP5E (SLMO2-ATP5E readthrough; minus strand). Cytogenetic location: 20q13.32.
Variant type: single nucleotide variant.
Coding change: c.42A>C on transcript NM_006886.4 (MANE Select); coding-DNA position 42, A replaced by C.
Protein change: p.Arg14=; no amino-acid change (arginine 14 retained).
Molecular consequence: synonymous variant. On other transcripts: non-coding transcript variant (2).
Genome position (GRCh38, 1-based): chr20:59,030,420, T>G on the plus strand (A>C on the coding strand, the complement: ATP5F1E is on the minus strand). VCF-style: chr20-59030420-T-G. GRCh37 (hg19) VCF-style: chr20-57605475-T-G.
Other names: c.42A>C, p.Arg14= (NM_001001977.1).
Identifiers: ClinVar variation 3046491 (VCV003046491.2), dbSNP rs1601243831, ClinGen allele CA511089934.